The following is an entry in ClinVar:

NM_006218.4(PIK3CA):c.1618C>G (p.Leu540Val)

Gene: PIK3CA (phosphatidylinositol-4,5-bisphosphate 3-kinase catalytic subunit alpha; plus strand). Cytogenetic location: 3q26.32.
Variant type: single nucleotide variant.
Coding change: c.1618C>G on transcript NM_006218.4 (MANE Select); coding-DNA position 1618, C replaced by G.
Protein change: p.Leu540Val; replaces leucine 540 with valine.
Molecular consequence: missense variant.
Genome position (GRCh38, 1-based): chr3:179,218,288, C>G. VCF-style: chr3-179218288-C-G. GRCh37 (hg19) VCF-style: chr3-178936076-C-G.
Other names: short protein forms L540V.
Identifiers: ClinVar variation 1496185 (VCV001496185.8), dbSNP rs2108408264, ClinGen allele CA355265013.

ClinVar aggregate classification (germline): Uncertain significance (1 of 4 stars; one submission).

Conditions:
Cowden syndrome (CS). Also called: Cowden's disease; Cowden's syndrome; Cowden disease. Identifiers: Orphanet 201, MedGen C0018553, MONDO:0016063. Disease mechanism: gain of function.

Submission:

Labcorp Genetics (formerly Invitae), Labcorp
Classification: Uncertain significance for Cowden syndrome. Last evaluated: 2021-01-31. Review status: criteria provided, single submitter. Criteria: Invitae Variant Classification Sherloc (09022015). Collection method: clinical testing. Allele origin: germline.
Comment: This variant is not present in population databases (ExAC no frequency). This sequence change replaces leucine with valine at codon 540 of the PIK3CA protein (p.Leu540Val). The leucine residue is highly conserved and there is a small physicochemical difference between leucine and valine. This variant has not been reported in the literature in individuals with PIK3CA-related conditions. Algorithms developed to predict the effect of missense changes on protein structure and function are either unavailable or do not agree on the potential impact of this missense change (SIFT: "Tolerated"; PolyPhen-2: "Probably Damaging"; Align-GVGD: "Class C0"). In summary, the available evidence is currently insufficient to determine the role of this variant in disease. Therefore, it has been classified as a Variant of Uncertain Significance.